The following is an entry in ClinVar:

ClinVar aggregate classification (germline): Pathogenic (1 of 4 stars; one submission).

Conditions:
Intellectual developmental disorder, autosomal dominant 6, with or without seizures. Also called: GRIN2B-related developmental delay, intellectual disability and autism spectrum disorder; Intellectual disability, autosomal dominant 6. Identifiers: Orphanet 589547, MedGen C3151411, MONDO:0013509, OMIM 613970.
Developmental and epileptic encephalopathy, 27 (DEE27). Also called: GRIN2B-Related Neurodevelopmental Disorder; Epileptic encephalopathy, early infantile, 27. Identifiers: Orphanet 3451, MedGen C4015316, MONDO:0014505, OMIM 616139.

Submission:

Labcorp Genetics (formerly Invitae), Labcorp
Classification: Pathogenic for Developmental and epileptic encephalopathy, 27; Intellectual developmental disorder, autosomal dominant 6, with or without seizures. Last evaluated: 2021-09-15. Review status: criteria provided, single submitter. Criteria: Invitae Variant Classification Sherloc (09022015). Collection method: clinical testing. Allele origin: germline.
Comment: For these reasons, this variant has been classified as Pathogenic. This variant has not been reported in the literature in individuals affected with GRIN2B-related conditions. This variant is a gross deletion of the genomic region encompassing exon(s) 3 of the GRIN2B gene. This deletion is out-of-frame, and is expected to create a premature termination codon and result in an absent or disrupted protein product. Loss-of-function variants in GRIN2B are known to be pathogenic (PMID: 28377535).

Literature cited by the submitters: PubMed 28377535.

NC_000012.11:g.(?_13906231)_(13906869_?)del

Gene: GRIN2B (glutamate ionotropic receptor NMDA type subunit 2B; minus strand). Cytogenetic location: 12p13.1.
Variant type: Deletion.
Identifiers: ClinVar variation 1364424 (VCV001364424.6).